The following is an entry in ClinVar:

NM_000245.4(MET):c.2321G>C (p.Arg774Thr)

Gene: MET (MET proto-oncogene, receptor tyrosine kinase; plus strand). Cytogenetic location: 7q31.2.
Variant type: single nucleotide variant.
Coding change: c.2321G>C on transcript NM_000245.4 (MANE Select); coding-DNA position 2321, G replaced by C.
Protein change: p.Arg774Thr; replaces arginine 774 with threonine.
Molecular consequence: missense variant.
Genome position (GRCh38, 1-based): chr7:116,759,447, G>C. VCF-style: chr7-116759447-G-C. GRCh37 (hg19) VCF-style: chr7-116399501-G-C.
Other names: c.2375G>C, p.Arg792Thr (NM_001127500.3); c.2321G>C, p.Arg774Thr (NM_001324401.3); c.1031G>C, p.Arg344Thr (NM_001324402.2); short protein forms R774T, R792T, R344T.
Identifiers: ClinVar variation 4053984 (VCV004053984.1).

ClinVar aggregate classification (germline): Uncertain significance (1 of 4 stars; one submission).

Conditions:
Hereditary cancer-predisposing syndrome. Also called: Neoplastic Syndromes, Hereditary; Tumor predisposition; Hereditary neoplastic syndrome; Hereditary Cancer Syndrome. Identifiers: Orphanet 140162, MedGen C0027672, MeSH D009386, MONDO:0015356.

Submission:

Ambry Genetics
Classification: Uncertain significance for Hereditary cancer-predisposing syndrome. Last evaluated: 2025-06-04. Review status: criteria provided, single submitter. Criteria: Ambry Variant Classification Scheme 2023. Collection method: clinical testing. Allele origin: germline.
Comment: The p.R792T variant (also known as c.2375G>C), located in coding exon 9 of the MET gene, results from a G to C substitution at nucleotide position 2375. The arginine at codon 792 is replaced by threonine, an amino acid with similar properties. This amino acid position is conserved. In addition, this alteration is predicted to be tolerated by in silico analysis. Based on the available evidence, the clinical significance of this variant remains unclear.